The following is an entry in ClinVar:

NM_000660.7(TGFB1):c.179C>G (p.Ala60Gly)

Genes: TGFB1 (transforming growth factor beta 1; minus strand), LOC130064510 (ATAC-STARR-seq lymphoblastoid silent region 10661; plus strand). Cytogenetic location: 19q13.2.
Variant type: single nucleotide variant.
Coding change: c.179C>G on transcript NM_000660.7 (MANE Select); coding-DNA position 179, C replaced by G.
Protein change: p.Ala60Gly; replaces alanine 60 with glycine.
Molecular consequence: missense variant.
Genome position (GRCh38, 1-based): chr19:41,352,866, G>C on the plus strand (C>G on the coding strand, the complement: TGFB1 is on the minus strand). VCF-style: chr19-41352866-G-C. GRCh37 (hg19) VCF-style: chr19-41858771-G-C.
Other names: short protein forms A60G.
Identifiers: ClinVar variation 1996313 (VCV001996313.4), dbSNP rs2513392694, ClinGen allele CA406005792.

ClinVar aggregate classification (germline): Uncertain significance (1 of 4 stars; one submission).

Submission:

Labcorp Genetics (formerly Invitae), Labcorp
Classification: Uncertain significance. Last evaluated: 2024-11-04. Review status: criteria provided, single submitter. Criteria: Invitae Variant Classification Sherloc (09022015). Collection method: clinical testing. Allele origin: germline.
Comment: This sequence change replaces alanine, which is neutral and non-polar, with glycine, which is neutral and non-polar, at codon 60 of the TGFB1 protein (p.Ala60Gly). This variant is not present in population databases (gnomAD no frequency). This variant has not been reported in the literature in individuals affected with TGFB1-related conditions. ClinVar contains an entry for this variant (Variation ID: 1996313). Invitae Evidence Modeling of protein sequence and biophysical properties (such as structural, functional, and spatial information, amino acid conservation, physicochemical variation, residue mobility, and thermodynamic stability) indicates that this missense variant is not expected to disrupt TGFB1 protein function with a negative predictive value of 80%. In summary, the available evidence is currently insufficient to determine the role of this variant in disease. Therefore, it has been classified as a Variant of Uncertain Significance.